The following is an entry in ClinVar:

NM_014712.3(SETD1A):c.3171del (p.Ser1058fs)

Gene: SETD1A (SET domain containing 1A, histone lysine methyltransferase; plus strand). Cytogenetic location: 16p11.2.
Variant type: Deletion.
Coding change: c.3171del on transcript NM_014712.3 (MANE Select); coding-DNA position 3171, one base deleted (C; older notation c.3171delC).
Protein change: p.Ser1058fs; shifts the reading frame from serine 1058.
Molecular consequence: frameshift variant.
Genome position (GRCh38, 1-based): chr16:30,971,532, C deleted; the last of 2 consecutive C bases (chr16:30,971,531-30,971,532); deleting either gives the same sequence. VCF-style (leftmost placement, unchanged base first): chr16-30971530-TC-T. GRCh37 (hg19) VCF-style: chr16-30982851-TC-T.
Other names: c.3171delC (NM_014712.2); short protein forms S1058fs.
Identifiers: ClinVar variation 3317700 (VCV003317700.2).
Genomic context (GRCh38, chr16:30,971,530, plus strand): 5'-AGCTCTTCCAGCTCCTCATCCTCCTCCTCCTCCTCGTCCTCATCCTCCTCGTCCTCTTCA[TC>T]CTCTGAGTCCTCCTCTGAAGATGAAGAGGAAGAGGAGCGGCCAGCAGCCCTTCCCTCAGC-3'

ClinVar aggregate classification (germline): Pathogenic/Likely pathogenic. Review status: criteria provided, multiple submitters, no conflicts (2 of 4 stars). 2 submissions from 2 submitters: Pathogenic (1); Likely pathogenic (1). Last evaluated 2026-03-03.

Conditions:
SETD1A-related disorder. Also called: SETD1A-related condition.
Inborn genetic diseases. Identifiers: MedGen C0950123, MeSH D030342.

Submissions (2):

PreventionGenetics, part of Exact Sciences
Classification: Likely pathogenic for SETD1A-related condition. Last evaluated: 2026-03-03. Review status: criteria provided, single submitter. Criteria: ACMG Guidelines, 2015. Collection method: clinical testing. Allele origin: germline.
Comment: The SETD1A c.3171delC variant is predicted to result in a frameshift and premature protein termination (p.Ser1058Leufs*204). To our knowledge, this variant has not been reported in the literature or in a large population database (gnomAD), indicating this variant is rare. Frameshift variants in SETD1A are expected to be pathogenic. This variant is interpreted as likely pathogenic.

Ambry Genetics
Classification: Pathogenic for Inborn genetic diseases. Last evaluated: 2024-04-09. Review status: criteria provided, single submitter. Criteria: Ambry Variant Classification Scheme 2023. Collection method: clinical testing. Allele origin: germline.
Comment: The c.3171delC (p.S1058Lfs*204) alteration, located in exon 13 (coding exon 12) of the SETD1A gene, consists of a deletion of one nucleotide at position 3171, causing a translational frameshift with a predicted alternate stop codon after 204 amino acids. This alteration is expected to result in loss of function by premature protein truncation or nonsense-mediated mRNA decay. This variant was not reported in population-based cohorts in the Genome Aggregation Database (gnomAD). Based on the available evidence, this alteration is classified as pathogenic.